The following is an entry in ClinVar:

NM_181840.1(KCNK18):c.194T>G (p.Leu65Arg)

Gene: KCNK18 (potassium two pore domain channel subfamily K member 18; plus strand). Cytogenetic location: 10q25.3.
Variant type: single nucleotide variant.
Coding change: c.194T>G on transcript NM_181840.1 (MANE Select); coding-DNA position 194, T replaced by G.
Protein change: p.Leu65Arg; replaces leucine 65 with arginine.
Molecular consequence: missense variant.
Genome position (GRCh38, 1-based): chr10:117,197,682, T>G. VCF-style: chr10-117197682-T-G. GRCh37 (hg19) VCF-style: chr10-118957193-T-G.
Other names: short protein forms L65R.
Identifiers: ClinVar variation 1318373 (VCV001318373.2), dbSNP rs1432603392, ClinGen allele CA378505394.

ClinVar aggregate classification (germline): Uncertain significance (1 of 4 stars; one submission).

Allele frequency attached by ClinVar (database versions not stated): TOPMed below 0.00001.

Submission:

GeneDx
Classification: Uncertain significance. Last evaluated: 2020-02-19. Review status: criteria provided, single submitter. Criteria: GeneDx Variant Classification Process June 2021. Collection method: clinical testing. Allele origin: germline. Affected: yes.
Comment: Not observed in large population cohorts (Lek et al., 2016); In silico analysis supports that this missense variant does not alter protein structure/function; Has not been previously published as pathogenic or benign to our knowledge